The following is an entry in ClinVar:

NM_021958.4(HLX):c.300G>A (p.Ala100=)

Gene: HLX (H2.0 like homeobox; plus strand). Cytogenetic location: 1q41.
Variant type: single nucleotide variant.
Coding change: c.300G>A on transcript NM_021958.4 (MANE Select); coding-DNA position 300, G replaced by A.
Protein change: p.Ala100=; no amino-acid change (alanine 100 retained).
Molecular consequence: synonymous variant.
Genome position (GRCh38, 1-based): chr1:220,880,157, G>A. VCF-style: chr1-220880157-G-A. GRCh37 (hg19) VCF-style: chr1-221053499-G-A.
Identifiers: ClinVar variation 3352307 (VCV003352307.1).

ClinVar aggregate classification (germline): Likely benign (0 of 4 stars; one submission).

Conditions:
HLX-related disorder. Also called: HLX-related condition.

gnomAD v4.1: 214 of 1,612,342 alleles (0.013%); highest among the groups gnomAD compares: Admixed American, 0.13%; no homozygotes.

Submission:

PreventionGenetics, part of Exact Sciences
Classification: Likely benign for HLX-related condition. Last evaluated: 2024-03-11. Review status: no assertion criteria provided. Collection method: clinical testing. Allele origin: germline.
Comment: This variant is classified as likely benign based on ACMG/AMP sequence variant interpretation guidelines (Richards et al. 2015 PMID: 25741868, with internal and published modifications).